The following is an entry in ClinVar:

NM_003000.3(SDHB):c.764A>T (p.Lys255Met)

Gene: SDHB (succinate dehydrogenase complex iron sulfur subunit B; minus strand). Cytogenetic location: 1p36.13.
Variant type: single nucleotide variant.
Coding change: c.764A>T on transcript NM_003000.3 (MANE Select); coding-DNA position 764, A replaced by T.
Protein change: p.Lys255Met; replaces lysine 255 with methionine.
Molecular consequence: missense variant.
Genome position (GRCh38, 1-based): chr1:17,022,609, T>A on the plus strand (A>T on the coding strand, the complement: SDHB is on the minus strand). VCF-style: chr1-17022609-T-A. GRCh37 (hg19) VCF-style: chr1-17349104-T-A.
Other names: c.710A>T, p.Lys237Met (NM_001407361.1); short protein forms K237M, K255M.
Identifiers: ClinVar variation 5029280 (VCV005029280.1).

ClinVar aggregate classification (germline): Uncertain significance (1 of 4 stars; one submission).

Conditions:
Hereditary cancer-predisposing syndrome. Also called: Neoplastic Syndromes, Hereditary; Tumor predisposition; Hereditary neoplastic syndrome; Hereditary Cancer Syndrome. Identifiers: Orphanet 140162, MedGen C0027672, MeSH D009386, MONDO:0015356.

Submission:

Ambry Genetics
Classification: Uncertain significance for Hereditary cancer-predisposing syndrome. Last evaluated: 2026-07-07. Review status: criteria provided, single submitter. Criteria: Ambry Variant Classification Scheme 2023. Collection method: clinical testing. Allele origin: germline.
Comment: The p.K255M variant (also known as c.764A>T), located in coding exon 7 of the SDHB gene, results from an A to T substitution at nucleotide position 764. The lysine at codon 255 is replaced by methionine, an amino acid with similar properties. This amino acid position is conserved. In addition, this alteration is predicted to be deleterious by in silico analysis. Based on the available evidence, the clinical significance of this variant remains unclear.